The following is an entry in ClinVar:

NM_138711.6(PPARG):c.608A>C (p.Asn203Thr)

Genes: PPARG (peroxisome proliferator activated receptor gamma; plus strand), LOC114803475 (PPARG eExon liver enhancer; plus strand). Cytogenetic location: 3p25.2.
Variant type: single nucleotide variant.
Coding change: c.608A>C on transcript NM_138711.6 (MANE Select); coding-DNA position 608, A replaced by C.
Protein change: p.Asn203Thr; replaces asparagine 203 with threonine.
Molecular consequence: missense variant. On other transcripts: intron variant (1).
Genome position (GRCh38, 1-based): chr3:12,405,960, A>C. VCF-style: chr3-12405960-A-C. GRCh37 (hg19) VCF-style: chr3-12447459-A-C.
Other names: c.608A>C, p.Asn203Thr (NM_001330615.4, NM_001354666.3, NM_001354667.3 and 6 more transcripts); c.698A>C, p.Asn233Thr (NM_001354668.2, NM_001374265.1, NM_015869.5); c.614A>C, p.Asn205Thr (NM_001354670.2, NM_001374266.1); c.103-10744A>C (NM_001354669.2); c.698A>C (NM_015869.4); short protein forms N233T, N203T, N205T.
Identifiers: ClinVar variation 4706158 (VCV004706158.2).

ClinVar aggregate classification (germline): Uncertain significance. Review status: criteria provided, multiple submitters, no conflicts (2 of 4 stars). 2 submissions from 2 submitters: Uncertain significance (2). Last evaluated 2025-08-06.

Conditions:
PPARG-related disorder. Also called: PPARG-related condition; PPARG-related disorders.

gnomAD v4.1: 5 of 1,614,034 alleles (0.00031%); highest among the groups gnomAD compares: Non-Finnish European, 0.00034%; no homozygotes.

Submissions (2):

Labcorp Genetics (formerly Invitae), Labcorp
Classification: Uncertain significance. Last evaluated: 2025-08-06. Review status: criteria provided, single submitter. Criteria: Invitae Variant Classification Sherloc (09022015). Collection method: clinical testing. Allele origin: germline.
Comment: This sequence change replaces asparagine, which is neutral and polar, with threonine, which is neutral and polar, at codon 233 of the PPARG protein (p.Asn233Thr). This variant is present in population databases (no rsID available, gnomAD no frequency). This variant has not been reported in the literature in individuals affected with PPARG-related conditions. Invitae Evidence Modeling of protein sequence and biophysical properties (such as structural, functional, and spatial information, amino acid conservation, physicochemical variation, residue mobility, and thermodynamic stability) indicates that this missense variant is not expected to disrupt PPARG protein function with a negative predictive value of 95%. In summary, the available evidence is currently insufficient to determine the role of this variant in disease. Therefore, it has been classified as a Variant of Uncertain Significance.

PreventionGenetics, part of Exact Sciences
Classification: Uncertain significance for PPARG-related condition. Last evaluated: 2025-07-30. Review status: criteria provided, single submitter. Criteria: ACMG Guidelines, 2015. Collection method: clinical testing. Allele origin: germline.
Comment: The PPARG c.698A>C variant is predicted to result in the amino acid substitution p.Asn233Thr. To our knowledge, this variant has not been reported in the literature or in large population database (gnomAD v2 as displayed in the table above). This variant is reported in 0.0003% of alleles in individuals of European (Non-Finnish) descent in gnomAD v4 (available only on GRCh38). At this time, the clinical significance of this variant is uncertain due to the absence of conclusive functional and genetic evidence.